The following is an entry in ClinVar:

NM_014391.3(ANKRD1):c.369G>A (p.Thr123=)

Gene: ANKRD1 (ankyrin repeat domain 1; minus strand). Cytogenetic location: 10q23.31.
Variant type: single nucleotide variant.
Coding change: c.369G>A on transcript NM_014391.3 (MANE Select); coding-DNA position 369, G replaced by A.
Protein change: p.Thr123=; no amino-acid change (threonine 123 retained).
Molecular consequence: synonymous variant.
Genome position (GRCh38, 1-based): chr10:90,918,949, C>T on the plus strand (G>A on the coding strand, the complement: ANKRD1 is on the minus strand). VCF-style: chr10-90918949-C-T. GRCh37 (hg19) VCF-style: chr10-92678706-C-T.
Other names: p.T123T:ACG>ACA.
Identifiers: ClinVar variation 201659 (VCV000201659.23), dbSNP rs148979787, ClinGen allele CA335062.

ClinVar aggregate classification (germline): Conflicting classifications of pathogenicity. Review status: criteria provided, conflicting classifications (1 of 4 stars). 7 submissions from 7 submitters: Uncertain significance (1); Benign (3); Likely benign (1). 2 of the submissions do not count toward it. Last evaluated 2026-03-15.

Conditions:
Cardiovascular phenotype. Identifiers: MedGen CN230736.
ANKRD1-related dilated cardiomyopathy. Identifiers: MedGen CN119551.
Primary dilated cardiomyopathy (DCM). Also called: Dilated Cardiomyopathy. Identifiers: Orphanet 217604, MedGen C0007193, MeSH D002311, MONDO:0005021, HP:0001644. Inheritance: Various modes of inheritance.

Allele frequency attached by ClinVar (database versions not stated): gnomAD exomes 0.00022 and 0.00034; ExAC 0.00042; gnomAD 0.00069; ESP Exome Variant Server 0.00115; 1000 Genomes Project 0.00200; 1000 Genomes Project 30x 0.00234.
gnomAD v4.1: 443 of 1,607,038 alleles (0.028%); highest among the groups gnomAD compares: Middle Eastern, 0.33%; 2 homozygotes.

Submissions (7):

Women's Health and Genetics/Laboratory Corporation of America, LabCorp
Classification: Benign. Last evaluated: 2026-03-15. Review status: criteria provided, single submitter. Criteria: LabCorp Variant Classification Summary - May 2015. Collection method: clinical testing. Allele origin: germline.

Labcorp Genetics (formerly Invitae), Labcorp
Classification: Benign for ANKRD1-related dilated cardiomyopathy. Last evaluated: 2026-01-19. Review status: criteria provided, single submitter. Criteria: Invitae Variant Classification Sherloc (09022015). Collection method: clinical testing. Allele origin: germline.

Illumina Laboratory Services, Illumina
Classification: Uncertain significance for Primary dilated cardiomyopathy. Last evaluated: 2018-01-12. Review status: criteria provided, single submitter. Criteria: ICSL Variant Classification Criteria 13 December 2019. Collection method: clinical testing. Allele origin: germline.

Ambry Genetics
Classification: Likely benign for Cardiovascular phenotype. Last evaluated: 2016-02-08. Review status: criteria provided, single submitter. Criteria: Ambry Variant Classification Scheme 2023. Collection method: clinical testing. Allele origin: germline.

GeneDx
Classification: Benign. Last evaluated: 2014-06-27. Review status: criteria provided, single submitter. Criteria: GeneDx Variant Classification (06012015). Collection method: clinical testing. Allele origin: germline. Affected: yes.
Comment: This variant is considered likely benign or benign based on one or more of the following criteria: it is a conservative change, it occurs at a poorly conserved position in the protein, it is predicted to be benign by multiple in silico algorithms, and/or has population frequency not consistent with disease.

Clinical Genetics DNA and cytogenetics Diagnostics Lab, Erasmus MC, Erasmus Medical Center
Classification: Likely benign. Review status: no assertion criteria provided. Collection method: clinical testing. Allele origin: germline. Affected: yes. Study: VKGL Data-share Consensus. Not counted in ClinVar's aggregate classification.

Clinical Genetics, Academic Medical Center
Classification: Benign. Review status: no assertion criteria provided. Collection method: clinical testing. Allele origin: germline. Affected: yes. Study: VKGL Data-share Consensus. Not counted in ClinVar's aggregate classification.